The following is an entry in ClinVar:

ClinVar aggregate classification (germline): Uncertain significance (1 of 4 stars; one submission).

Submission:

CeGaT Center for Human Genetics Tuebingen
Classification: Uncertain significance. Last evaluated: 2023-07-01. Review status: criteria provided, single submitter. Criteria: CeGaT Center For Human Genetics Tuebingen Variant Classification Criteria Version 2. Collection method: clinical testing. Allele origin: germline. Affected: yes. Observed: 1 variant allele.
Comment: RP1L1: PM2

NM_178857.6(RP1L1):c.6185_6226del (p.Glu2062_Glu2075del)

Gene: RP1L1 (RP1 like 1). Cytogenetic location: 8p23.1.
Variant type: Deletion.
Coding change: c.6185_6226del on transcript NM_178857.6 (MANE Select); coding-DNA positions 6185 to 6226, 42 bases deleted.
Protein change: p.Glu2062_Glu2075del.
Molecular consequence: inframe deletion.
Genome position: GRCh38: chr8:10,607,883-10,607,924. GRCh37 (hg19): chr8:10,465,393-10,465,434.
Identifiers: ClinVar variation 2658385 (VCV002658385.24), dbSNP rs2486282790, ClinGen allele CA2695199655.
Genomic context (GRCh38, chr8:10,607,871, plus strand): 5'-GGCTGGGCCTCCCCTTCTGCCTCCTGGGCATCTACATCTTCTGACTCTGGGTGGGCCTCC[CCTTCTGCCTCCTGGACCTCCCCTTCAGCCTCCTGTGCCTCCT>C]CTTCTGCCTCCGGGGCCTCTACACCGTCTGACTCTGGCTGGGCATCCCCTTCTGTCTTCT-3'